The following is an entry in ClinVar:

ClinVar aggregate classification (germline): Benign/Likely benign. Review status: criteria provided, multiple submitters, no conflicts (2 of 4 stars). 2 submissions from 2 submitters: Benign (1); Likely benign (1). Last evaluated 2024-03-25.

Conditions:
Hereditary cancer-predisposing syndrome. Also called: Neoplastic Syndromes, Hereditary; Tumor predisposition; Hereditary Cancer Syndrome; Hereditary neoplastic syndrome. Identifiers: Orphanet 140162, MedGen C0027672, MeSH D009386, MONDO:0015356.
Familial adenomatous polyposis 1 (FAP1). Also called: FAMILIAL ADENOMATOUS POLYPOSIS 1, ATTENUATED; POLYPOSIS, ADENOMATOUS INTESTINAL. Identifiers: MedGen C2713442, MONDO:0021056, OMIM 175100. Disease mechanism: loss of function.

Submissions (2):

Myriad Genetics, Inc.
Classification: Benign for Familial adenomatous polyposis 1. Last evaluated: 2024-03-25. Review status: criteria provided, single submitter. Criteria: Myriad Autosomal Dominant, Autosomal Recessive and X-Linked Classification Criteria (2023). Collection method: clinical testing. Allele origin: unknown.
Comment: This variant is considered benign. This variant is a silent/synonymous amino acid change and it is not expected to impact splicing.

Ambry Genetics
Classification: Likely benign for Hereditary cancer-predisposing syndrome. Last evaluated: 2022-04-19. Review status: criteria provided, single submitter. Criteria: Ambry Variant Classification Scheme 2023. Collection method: clinical testing. Allele origin: germline.

NM_000038.6(APC):c.4041C>T (p.Ala1347=)

Gene: APC (APC regulator of Wnt signaling pathway; plus strand). Cytogenetic location: 5q22.2.
Variant type: single nucleotide variant.
Coding change: c.4041C>T on transcript NM_000038.6 (MANE Select); coding-DNA position 4041, C replaced by T.
Protein change: p.Ala1347=; no amino-acid change (alanine 1347 retained).
Molecular consequence: synonymous variant. On other transcripts: non-coding transcript variant (2).
Genome position (GRCh38, 1-based): chr5:112,839,635, C>T. VCF-style: chr5-112839635-C-T. GRCh37 (hg19) VCF-style: chr5-112175332-C-T.
Other names: c.4041C>T, p.Ala1347= (NM_001127510.3, NM_001354895.2, NM_001407450.1); c.3987C>T, p.Ala1329= (NM_001127511.3); c.4095C>T, p.Ala1365= (NM_001354896.2, NM_001407447.1, NM_001407448.1 and 1 more transcripts); c.4071C>T, p.Ala1357= (NM_001354897.2); c.3966C>T, p.Ala1322= (NM_001354898.2); c.3957C>T, p.Ala1319= (NM_001354899.2); c.3918C>T, p.Ala1306= (NM_001354900.2); c.3864C>T, p.Ala1288= (NM_001354901.2, NM_001407453.1); and 11 more.
Identifiers: ClinVar variation 1737289 (VCV001737289.2), dbSNP rs2149904805, ClinGen allele CA445964060.